The following is an entry in ClinVar:

ClinVar aggregate classification (germline): Uncertain significance (1 of 4 stars; one submission).

Conditions:
Inborn genetic diseases. Identifiers: MedGen C0950123, MeSH D030342.

Submission:

Ambry Genetics
Classification: Uncertain significance for Inborn genetic diseases. Last evaluated: 2025-01-27. Review status: criteria provided, single submitter. Criteria: Ambry Variant Classification Scheme 2023. Collection method: clinical testing. Allele origin: germline.
Comment: The p.G529V variant (also known as c.1586G>T), located in coding exon 17 of the FANCA gene, results from a G to T substitution at nucleotide position 1586. The glycine at codon 529 is replaced by valine, an amino acid with dissimilar properties. This amino acid position is conserved. In addition, this alteration is predicted to be deleterious by in silico analysis. Based on the available evidence, the clinical significance of this variant remains unclear.

NM_000135.4(FANCA):c.1586G>T (p.Gly529Val)

Gene: FANCA (FA complementation group A; minus strand). Cytogenetic location: 16q24.3.
Variant type: single nucleotide variant.
Coding change: c.1586G>T on transcript NM_000135.4 (MANE Select); coding-DNA position 1586, G replaced by T.
Protein change: p.Gly529Val; replaces glycine 529 with valine.
Molecular consequence: missense variant.
Genome position (GRCh38, 1-based): chr16:89,782,899, C>A on the plus strand (G>T on the coding strand, the complement: FANCA is on the minus strand). VCF-style: chr16-89782899-C-A. GRCh37 (hg19) VCF-style: chr16-89849307-C-A.
Other names: c.1586G>T, p.Gly529Val (NM_001286167.3); short protein forms G529V.
Identifiers: ClinVar variation 3848154 (VCV003848154.1).
Genomic context (GRCh38, chr16:89,782,899, plus strand): 5'-CAGGGCTCAAGCAACATTACCTCAGTAATGTCCCCAGCTGATGACAAATCCTCGTAGAGT[C>A]CCATGTTTTCTATAGAAACCTTCAGGGAAGACACAGAATGAGAACAAGAAAACAAAGCAG-3'
Protein context (NP_000126.2, residues 519-539): ADLKVSIENM[Gly529Val]LYEDLSSAGD